The following is an entry in ClinVar:

NM_032043.3(BRIP1):c.3191T>C (p.Phe1064Ser)

Gene: BRIP1 (BRCA1 interacting DNA helicase 1; minus strand). Cytogenetic location: 17q23.2.
Variant type: single nucleotide variant.
Coding change: c.3191T>C on transcript NM_032043.3 (MANE Select); coding-DNA position 3191, T replaced by C.
Protein change: p.Phe1064Ser; replaces phenylalanine 1064 with serine.
Molecular consequence: missense variant.
Genome position (GRCh38, 1-based): chr17:61,683,855, A>G on the plus strand (T>C on the coding strand, the complement: BRIP1 is on the minus strand). VCF-style: chr17-61683855-A-G. GRCh37 (hg19) VCF-style: chr17-59761216-A-G.
Other names: short protein forms F1064S.
Identifiers: ClinVar variation 407867 (VCV000407867.22), dbSNP rs916937983, ClinGen allele CA16615764.
Genomic context (GRCh38, chr17:61,683,855, plus strand): 5'-GTAAGGGTGGCATCAATCTTTAATGATGAAATAATGGTTTCTGATTGAGGGCATGATCCA[A>G]ACGATGTGTTTACTGTCAGATTTGAGGATTCACATTTATCAGTGAAGGGCAAAACAGTTT-3'
Protein context (NP_114432.2, residues 1054-1074): ESSNLTVNTS[Phe1064Ser]GSCPQSETII

ClinVar aggregate classification (germline): Conflicting classifications of pathogenicity. Review status: criteria provided, conflicting classifications (1 of 4 stars). 6 submissions from 6 submitters: Uncertain significance (5); Likely benign (1). Last evaluated 2026-01-11.

Conditions:
Fanconi anemia complementation group J. Also called: BRIP1-Related Fanconi Anemia. Identifiers: Orphanet 84, MedGen C1836860, MONDO:0012187, OMIM 609054.
Hereditary cancer-predisposing syndrome. Also called: Hereditary neoplastic syndrome; Neoplastic Syndromes, Hereditary; Tumor predisposition; Hereditary Cancer Syndrome. Identifiers: Orphanet 140162, MedGen C0027672, MeSH D009386, MONDO:0015356.
Familial cancer of breast. Also called: Hereditary breast cancer; hereditary breast carcinoma; BREAST CANCER, FAMILIAL. Identifiers: Orphanet 227535, MedGen C0346153, MONDO:0016419, OMIM 114480. Disease mechanism: loss of function.

Allele frequency attached by ClinVar (database versions not stated): gnomAD exomes below 0.00001; gnomAD 0.00002; TOPMed 0.00002.
gnomAD v4.1: 5 of 1,614,068 alleles (0.00031%); highest among the groups gnomAD compares: Non-Finnish European, 0.00042%; no homozygotes.

Submissions (6):

Labcorp Genetics (formerly Invitae), Labcorp
Classification: Uncertain significance for Familial cancer of breast; Fanconi anemia complementation group J. Last evaluated: 2026-01-11. Review status: criteria provided, single submitter. Criteria: Invitae Variant Classification Sherloc (09022015). Collection method: clinical testing. Allele origin: germline.
Comment: This sequence change replaces phenylalanine, which is neutral and non-polar, with serine, which is neutral and polar, at codon 1064 of the BRIP1 protein (p.Phe1064Ser). This variant is not present in population databases (gnomAD no frequency). This variant has not been reported in the literature in individuals affected with BRIP1-related conditions. ClinVar contains an entry for this variant (Variation ID: 407867). Invitae Evidence Modeling of protein sequence and biophysical properties (such as structural, functional, and spatial information, amino acid conservation, physicochemical variation, residue mobility, and thermodynamic stability) indicates that this missense variant is not expected to disrupt BRIP1 protein function with a negative predictive value of 95%. In summary, the available evidence is currently insufficient to determine the role of this variant in disease. Therefore, it has been classified as a Variant of Uncertain Significance.

Ambry Genetics
Classification: Likely benign for Hereditary cancer-predisposing syndrome. Last evaluated: 2025-07-15. Review status: criteria provided, single submitter. Criteria: Ambry Variant Classification Scheme 2023. Collection method: clinical testing. Allele origin: germline.

GeneDx
Classification: Uncertain significance. Last evaluated: 2023-10-27. Review status: criteria provided, single submitter. Criteria: GeneDx Variant Classification Process June 2021. Collection method: clinical testing. Allele origin: germline. Affected: yes.
Comment: Not observed in large population cohorts (gnomAD); In silico analysis supports that this missense variant does not alter protein structure/function; This variant is associated with the following publications: (PMID: 33471991, 28873162)

Sema4
Classification: Uncertain significance for Hereditary cancer-predisposing syndrome. Last evaluated: 2021-09-15. Review status: criteria provided, single submitter. Criteria: Sema4 Curation Guidelines. Collection method: curation. Allele origin: germline.
Comment: The BRIP1 c.3191T>C (p.F1064S) variant has been reported in heterozygosity in at least one individual with breast cancer (PMID: 33471991). This variant is not reported in the population database Genome Aggregation Database (PMID: 32461654). The variant has been reported in ClinVar (Variation ID 407867). Functional studies have not been performed, and in silico predictions of the variant's effect on protein function are inconclusive. The evidence is insufficient to meet ACMG/AMP criteria for classifying the variant as benign or pathogenic. Thus, the clinical significance of this variant is currently uncertain.

Color Diagnostics, LLC DBA Color Health
Classification: Uncertain significance for Hereditary cancer-predisposing syndrome. Last evaluated: 2021-02-17. Review status: criteria provided, single submitter. Criteria: ACMG Guidelines, 2015. Collection method: clinical testing. Allele origin: germline.
Comment: This missense variant replaces phenylalanine with serine at codon 1064 of the BRIP1 protein. Computational prediction suggests that this variant may not impact protein structure and function (internally defined REVEL score threshold <= 0.5, PMID: 27666373). To our knowledge, functional studies have not been reported for this variant. This variant has been reported in an individual affected with advanced cancer (PMID: 28873162). This variant has not been identified in the general population by the Genome Aggregation Database (gnomAD). The available evidence is insufficient to determine the role of this variant in disease conclusively. Therefore, this variant is classified as a Variant of Uncertain Significance.

Mendelics
Classification: Uncertain significance for Fanconi anemia, complementation group J. Last evaluated: 2018-07-02. Review status: criteria provided, single submitter. Criteria: Mendelics Assertion Criteria 2017. Collection method: clinical testing. Allele origin: unknown.

Literature cited by the submitters: PubMed 33471991 (cited by Sema4).